The following is an entry in ClinVar:

NM_002691.4(POLD1):c.1435T>A (p.Phe479Ile)

Gene: POLD1 (DNA polymerase delta 1, catalytic subunit; plus strand). Cytogenetic location: 19q13.33.
Variant type: single nucleotide variant.
Coding change: c.1435T>A on transcript NM_002691.4 (MANE Select); coding-DNA position 1435, T replaced by A.
Protein change: p.Phe479Ile; replaces phenylalanine 479 with isoleucine.
Molecular consequence: missense variant. On other transcripts: non-coding transcript variant (1).
Genome position (GRCh38, 1-based): chr19:50,406,458, T>A. VCF-style: chr19-50406458-T-A. GRCh37 (hg19) VCF-style: chr19-50909715-T-A.
Other names: c.1435T>A, p.Phe479Ile (NM_001256849.1, NM_001308632.1); short protein forms F479I.
Identifiers: ClinVar variation 2891656 (VCV002891656.3), dbSNP rs2038887063, ClinGen allele CA406980181.

ClinVar aggregate classification (germline): Uncertain significance (1 of 4 stars; one submission).

Conditions:
POLD1-related polyposis and colorectal cancer syndrome (CRCS10). Also called: Colorectal cancer 10; COLORECTAL CANCER, SUSCEPTIBILITY TO, ON CHROMOSOME 19q; Colorectal cancer, susceptibility to, 10. Identifiers: Orphanet 220460, MedGen C2675481, MONDO:0012953, OMIM 612591.

Submission:

Labcorp Genetics (formerly Invitae), Labcorp
Classification: Uncertain significance for POLD1-related polyposis and colorectal cancer syndrome. Last evaluated: 2023-01-06. Review status: criteria provided, single submitter. Criteria: Invitae Variant Classification Sherloc (09022015). Collection method: clinical testing. Allele origin: germline.
Comment: This variant is not present in population databases (gnomAD no frequency). In summary, the available evidence is currently insufficient to determine the role of this variant in disease. Therefore, it has been classified as a Variant of Uncertain Significance. Advanced modeling of protein sequence and biophysical properties (such as structural, functional, and spatial information, amino acid conservation, physicochemical variation, residue mobility, and thermodynamic stability) performed at Invitae indicates that this missense variant is not expected to disrupt POLD1 protein function. This variant has not been reported in the literature in individuals affected with POLD1-related conditions. This sequence change replaces phenylalanine, which is neutral and non-polar, with isoleucine, which is neutral and non-polar, at codon 479 of the POLD1 protein (p.Phe479Ile).